The following is an entry in ClinVar:

ClinVar aggregate classification (germline): Likely benign. Review status: criteria provided, multiple submitters, no conflicts (2 of 4 stars). 8 submissions from 8 submitters: Likely benign (8). Last evaluated 2024-12-06.

Conditions:
Arrhythmogenic cardiomyopathy with wooly hair and keratoderma. Also called: Dilated cardiomyopathy with woolly hair and keratoderma; Arrhythmogenic cardiomyopathy with woolly hair and keratoderma; Carvajal syndrome; PALMOPLANTAR KERATODERMA WITH LEFT VENTRICULAR CARDIOMYOPATHY AND WOOLLY HAIR. Identifiers: Orphanet 65282, MedGen C1854063, MONDO:0011581, OMIM 605676.
Arrhythmogenic right ventricular dysplasia 8 (ARVD8). Also called: Arrhythmogenic Right Ventricular Dysplasia/Cardiomyopathy 8; ARRHYTHMOGENIC RIGHT VENTRICULAR CARDIOMYOPATHY 8; ARRHYTHMOGENIC RIGHT VENTRICULAR DYSPLASIA, FAMILIAL, 8. Identifiers: MedGen C1843896, MONDO:0011831, OMIM 607450.
Cardiomyopathy (CMYO). Also called: Cardiomyopathies. Identifiers: Orphanet 167848, MedGen C0878544, MONDO:0004994, HP:0001638. Inheritance: Various modes of inheritance.
Cardiovascular phenotype. Identifiers: MedGen CN230736.
Woolly hair-skin fragility syndrome (WHSF). Identifiers: Orphanet 293165, MedGen C1843292, MONDO:0957307, OMIM 620415.
Lethal acantholytic epidermolysis bullosa (EBLA). Identifiers: Orphanet 158687, MedGen C1864826, MONDO:0012323, OMIM 609638.
Cardiomyopathy, dilated, with wooly hair, keratoderma, and tooth agenesis. Also called: Cardiomyopathy, dilated, with woolly hair, keratoderma, and tooth agenesis; Erythrokeratodermia-cardiomyopathy syndrome. Identifiers: Orphanet 476096, Orphanet 65282, MedGen C4014393, MONDO:0014355, OMIM 615821.
Keratosis palmoplantaris striata 2. Also called: KERATODERMA, PALMOPLANTAR, STRIATE FORM II; STRIATE PALMOPLANTAR KERATODERMA II; Keratosis palmoplantaris striata II. Identifiers: MedGen C1852127, MONDO:0013034, OMIM 612908.

Allele frequency attached by ClinVar (database versions not stated): gnomAD exomes below 0.00001 and 0.00001; gnomAD 0.00001; TOPMed 0.00001.
gnomAD v4.1: 20 of 1,614,032 alleles (0.0012%); highest among the groups gnomAD compares: Non-Finnish European, 0.0017%; no homozygotes.

Submissions (8):

Women's Health and Genetics/Laboratory Corporation of America, LabCorp
Classification: Likely benign. Last evaluated: 2024-12-06. Review status: criteria provided, single submitter. Criteria: LabCorp Variant Classification Summary - May 2015. Collection method: clinical testing. Allele origin: germline.

Blueprint Genetics
Classification: Likely benign. Last evaluated: 2024-07-24. Review status: criteria provided, single submitter. Criteria: ACMG Guidelines, 2015. Collection method: clinical testing. Allele origin: germline.

Labcorp Genetics (formerly Invitae), Labcorp
Classification: Likely benign for Arrhythmogenic cardiomyopathy with wooly hair and keratoderma; Arrhythmogenic right ventricular dysplasia 8. Last evaluated: 2024-04-30. Review status: criteria provided, single submitter. Criteria: Invitae Variant Classification Sherloc (09022015). Collection method: clinical testing. Allele origin: germline.

All of Us Research Program, National Institutes of Health
Classification: Likely benign for Arrhythmogenic cardiomyopathy with wooly hair and keratoderma. Last evaluated: 2023-10-27. Review status: criteria provided, single submitter. Criteria: ACMG Guidelines, 2015. Collection method: clinical testing. Allele origin: germline. Inheritance: Autosomal dominant inheritance. Observed: 5 variant alleles, 5 heterozygotes.
Comment: This study involves interpretation of variants in research participants for the purpose of population health screening. Participant phenotype was not available at the time of variant classification. Additional details can be found in publication PMID: 35346344, PMCID: PMC8962531

Ambry Genetics
Classification: Likely benign for Cardiovascular phenotype. Last evaluated: 2022-09-24. Review status: criteria provided, single submitter. Criteria: Ambry Variant Classification Scheme 2023. Collection method: clinical testing. Allele origin: germline.

Fulgent Genetics
Classification: Likely benign for Arrhythmogenic cardiomyopathy with wooly hair and keratoderma; Arrhythmogenic right ventricular dysplasia 8; Lethal acantholytic epidermolysis bullosa; Keratosis palmoplantaris striata 2; Cardiomyopathy, dilated, with wooly hair, keratoderma, and tooth agenesis. Last evaluated: 2021-08-09. Review status: criteria provided, single submitter. Criteria: ACMG Guidelines, 2015. Collection method: clinical testing. Allele origin: unknown.

Color Diagnostics, LLC DBA Color Health
Classification: Likely benign for Cardiomyopathy. Last evaluated: 2018-11-30. Review status: criteria provided, single submitter. Criteria: ACMG Guidelines, 2015. Collection method: clinical testing. Allele origin: germline.

GeneDx
Classification: Likely benign. Last evaluated: 2018-01-31. Review status: criteria provided, single submitter. Criteria: GeneDx Variant Classification (06012015). Collection method: clinical testing. Allele origin: germline. Affected: yes.
Comment: This variant is considered likely benign or benign based on one or more of the following criteria: it is a conservative change, it occurs at a poorly conserved position in the protein, it is predicted to be benign by multiple in silico algorithms, and/or has population frequency not consistent with disease.

NM_004415.4(DSP):c.8277C>T (p.Arg2759=)

Gene: DSP (desmoplakin; plus strand). Cytogenetic location: 6p24.3.
Variant type: single nucleotide variant.
Coding change: c.8277C>T on transcript NM_004415.4 (MANE Select); coding-DNA position 8277, C replaced by T.
Protein change: p.Arg2759=; no amino-acid change (arginine 2759 retained).
Molecular consequence: synonymous variant.
Genome position (GRCh38, 1-based): chr6:7,585,539, C>T. VCF-style: chr6-7585539-C-T. GRCh37 (hg19) VCF-style: chr6-7585772-C-T.
Other names: c.6480C>T, p.Arg2160= (NM_001008844.3); c.6948C>T, p.Arg2316= (NM_001319034.2); c.8277C>T (LRG_423t1).
Identifiers: ClinVar variation 514960 (VCV000514960.17), dbSNP rs1248664648, ClinGen allele CA448716826.